The following is an entry in ClinVar:

NM_004281.4(BAG3):c.1720G>T (p.Ala574Ser)

Gene: BAG3 (BAG cochaperone 3; plus strand). Cytogenetic location: 10q26.11.
Variant type: single nucleotide variant.
Coding change: c.1720G>T on transcript NM_004281.4 (MANE Select); coding-DNA position 1720, G replaced by T.
Protein change: p.Ala574Ser; replaces alanine 574 with serine.
Molecular consequence: missense variant.
Genome position (GRCh38, 1-based): chr10:119,677,274, G>T. VCF-style: chr10-119677274-G-T. GRCh37 (hg19) VCF-style: chr10-121436786-G-T.
Other names: c.1720G>T (NM_004281.3); short protein forms A574S.
Identifiers: ClinVar variation 1436719 (VCV001436719.8), dbSNP rs779083262, ClinGen allele CA5716599.
Genomic context (GRCh38, chr10:119,677,274, plus strand): 5'-GCCACAGCAGCAGCGACTTCAAACCCCAGCAGCATGACAGACACCCCTGGTAACCCAGCA[G>T]CACCGTAGCCTCTGCCCTGTAAAAATCAGACTCGGAACCGATGTGTGCTTTAGGGAATTT-3'
Protein context (NP_004272.2, residues 564-575): SMTDTPGNPA[Ala574Ser]P

ClinVar aggregate classification (germline): Uncertain significance. Review status: criteria provided, multiple submitters, no conflicts (2 of 4 stars). 2 submissions from 2 submitters: Uncertain significance (2). Last evaluated 2024-10-30.

Conditions:
Myofibrillar myopathy 6. Identifiers: Orphanet 199340, MedGen C2751831, MONDO:0013061, OMIM 612954.
Dilated cardiomyopathy 1HH (CMD1HH). Identifiers: Orphanet 154, MedGen C3151293, MONDO:0013479, OMIM 613881.

Allele frequency attached by ClinVar (database versions not stated): ExAC 0.00001; gnomAD 0.00001; gnomAD exomes 0.00001; TOPMed 0.00001.
gnomAD v4.1: 6 of 1,613,858 alleles (0.00037%); highest among the groups gnomAD compares: Admixed American, 0.0017%; no homozygotes.

Submissions (2):

Labcorp Genetics (formerly Invitae), Labcorp
Classification: Uncertain significance for Dilated cardiomyopathy 1HH; Myofibrillar myopathy 6. Last evaluated: 2024-10-30. Review status: criteria provided, single submitter. Criteria: Invitae Variant Classification Sherloc (09022015). Collection method: clinical testing. Allele origin: germline.
Comment: This sequence change replaces alanine, which is neutral and non-polar, with serine, which is neutral and polar, at codon 574 of the BAG3 protein (p.Ala574Ser). This variant is present in population databases (rs779083262, gnomAD 0.0009%). This variant has not been reported in the literature in individuals affected with BAG3-related conditions. ClinVar contains an entry for this variant (Variation ID: 1436719). Experimental studies and prediction algorithms are not available or were not evaluated, and the functional significance of this variant is currently unknown. In summary, the available evidence is currently insufficient to determine the role of this variant in disease. Therefore, it has been classified as a Variant of Uncertain Significance.

Revvity Omics, Revvity
Classification: Uncertain significance. Last evaluated: 2019-10-22. Review status: criteria provided, single submitter. Criteria: ACMG Guidelines, 2015. Collection method: clinical testing. Allele origin: germline.